The following is an entry in ClinVar:

ClinVar aggregate classification (germline): Uncertain significance (1 of 4 stars; one submission).

Conditions:
EGFR-related lung cancer (EGFR). Identifiers: MedGen CN130014.

Submission:

Labcorp Genetics (formerly Invitae), Labcorp
Classification: Uncertain significance for EGFR-related lung cancer. Last evaluated: 2025-03-05. Review status: criteria provided, single submitter. Criteria: Invitae Variant Classification Sherloc (09022015). Collection method: clinical testing. Allele origin: germline.
Comment: This sequence change replaces methionine, which is neutral and non-polar, with isoleucine, which is neutral and non-polar, at codon 111 of the EGFR protein (p.Met111Ile). This variant is not present in population databases (gnomAD no frequency). This variant has not been reported in the literature in individuals affected with EGFR-related conditions. Invitae Evidence Modeling of protein sequence and biophysical properties (such as structural, functional, and spatial information, amino acid conservation, physicochemical variation, residue mobility, and thermodynamic stability) indicates that this missense variant is not expected to disrupt EGFR protein function with a negative predictive value of 80%. In summary, the available evidence is currently insufficient to determine the role of this variant in disease. Therefore, it has been classified as a Variant of Uncertain Significance.

NM_005228.5(EGFR):c.333G>T (p.Met111Ile)

Gene: EGFR (epidermal growth factor receptor; plus strand). Cytogenetic location: 7p11.2.
Variant type: single nucleotide variant.
Coding change: c.333G>T on transcript NM_005228.5 (MANE Select); coding-DNA position 333, G replaced by T.
Protein change: p.Met111Ile; replaces methionine 111 with isoleucine.
Molecular consequence: missense variant. On other transcripts: intron variant (1).
Genome position (GRCh38, 1-based): chr7:55,143,397, G>T. VCF-style: chr7-55143397-G-T. GRCh37 (hg19) VCF-style: chr7-55211090-G-T.
Other names: c.333G>T, p.Met111Ile (NM_001346897.2, NM_001346898.2, NM_001346899.2 and 3 more transcripts); c.174G>T, p.Met58Ile (NM_001346900.2); c.89-12433G>T (NM_001346941.2); short protein forms M58I, M111I.
Identifiers: ClinVar variation 4765798 (VCV004765798.1).